The following is an entry in ClinVar:

ClinVar aggregate classification (germline): Conflicting classifications of pathogenicity. Review status: criteria provided, conflicting classifications (1 of 4 stars). 4 submissions from 4 submitters: Likely pathogenic (1); Uncertain significance (3). Last evaluated 2024-07-10.

Conditions:
Familial thoracic aortic aneurysm and aortic dissection (TAAD). Also called: Thoracic aortic aneurysms and dissections. Identifiers: Orphanet 91387, MedGen C4707243, MONDO:0019625.
Loeys-Dietz syndrome 2 (LDS2). Also called: Marfan syndrome, type 2 (formerly); Marfan Syndrome type 2; Marfan like connective tissue disorder; MFS 2; TGFBR2-Related Loeys-Dietz Syndrome; AORTIC ANEURYSM, FAMILIAL THORACIC 3. Identifiers: Orphanet 284973, Orphanet 558, MedGen C2674574, MONDO:0012427, OMIM 610168.

Submissions (4):

All of Us Research Program, National Institutes of Health
Classification: Uncertain significance for Loeys-Dietz syndrome 2. Last evaluated: 2024-07-10. Review status: criteria provided, single submitter. Criteria: ACMG Guidelines, 2015. Collection method: clinical testing. Allele origin: germline. Inheritance: Autosomal dominant inheritance. Observed: 1 variant allele, 1 heterozygote.
Comment: This missense variant replaces glycine with serine at codon 253 of the TGFBR2 protein. Computational prediction suggests that this variant may have deleterious impact on protein structure and function (internally defined REVEL score threshold >= 0.7, PMID: 27666373). To our knowledge, functional studies have not been reported for this variant. This variant has not been reported in individuals affected with TGFBR2-related disorders in the literature. This variant has not been identified in the general population by the Genome Aggregation Database (gnomAD). The available evidence is insufficient to determine the role of this variant in disease conclusively. Therefore, this variant is classified as a Variant of Uncertain Significance.

This study involves interpretation of variants in research participants for the purpose of population health screening. Participant phenotype was not available at the time of variant classification. Additional details can be found in publication PMID: 35346344, PMCID: PMC8962531

Color Diagnostics, LLC DBA Color Health
Classification: Uncertain significance for Familial thoracic aortic aneurysm and aortic dissection. Last evaluated: 2023-11-13. Review status: criteria provided, single submitter. Criteria: ACMG Guidelines, 2015. Collection method: clinical testing. Allele origin: germline.
Comment: This missense variant replaces glycine with serine at codon 253 of the TGFBR2 protein. Computational prediction suggests that this variant may have deleterious impact on protein structure and function (internally defined REVEL score threshold >= 0.7, PMID: 27666373). To our knowledge, functional studies have not been reported for this variant. This variant has not been reported in individuals affected with TGFBR2-related disorders in the literature. This variant has not been identified in the general population by the Genome Aggregation Database (gnomAD). The available evidence is insufficient to determine the role of this variant in disease conclusively. Therefore, this variant is classified as a Variant of Uncertain Significance.

Labcorp Genetics (formerly Invitae), Labcorp
Classification: Uncertain significance for Familial thoracic aortic aneurysm and aortic dissection. Last evaluated: 2023-01-05. Review status: criteria provided, single submitter. Criteria: Invitae Variant Classification Sherloc (09022015). Collection method: clinical testing. Allele origin: germline.
Comment: In summary, the available evidence is currently insufficient to determine the role of this variant in disease. Therefore, it has been classified as a Variant of Uncertain Significance. Advanced modeling performed at Invitae incorporating data from internal and/or published experimental studies (Invitae) indicates that this missense variant is expected to disrupt TGFBR2 function. ClinVar contains an entry for this variant (Variation ID: 624214). This variant has not been reported in the literature in individuals affected with TGFBR2-related conditions. This variant is not present in population databases (gnomAD no frequency). This sequence change replaces glycine, which is neutral and non-polar, with serine, which is neutral and polar, at codon 253 of the TGFBR2 protein (p.Gly253Ser).

CeGaT Center for Human Genetics Tuebingen
Classification: Likely pathogenic. Last evaluated: 2018-07-01. Review status: criteria provided, single submitter. Criteria: CeGaT Center For Human Genetics Tuebingen Variant Classification Criteria Version 2. Collection method: clinical testing. Allele origin: germline. Affected: yes. Observed: 3 variant alleles.

NM_003242.6(TGFBR2):c.757G>A (p.Gly253Ser)

Gene: TGFBR2 (transforming growth factor beta receptor 2; plus strand). Cytogenetic location: 3p24.1.
Variant type: single nucleotide variant.
Coding change: c.757G>A on transcript NM_003242.6 (MANE Select); coding-DNA position 757, G replaced by A.
Protein change: p.Gly253Ser; replaces glycine 253 with serine.
Molecular consequence: missense variant.
Genome position (GRCh38, 1-based): chr3:30,671,940, G>A. VCF-style: chr3-30671940-G-A. GRCh37 (hg19) VCF-style: chr3-30713432-G-A.
Other names: c.832G>A, p.Gly278Ser (NM_001024847.3); c.940G>A, p.Gly314Ser (NM_001407126.1); c.865G>A, p.Gly289Ser (NM_001407127.1); c.784G>A, p.Gly262Ser (NM_001407128.1); c.760G>A, p.Gly254Ser (NM_001407129.1); c.757G>A, p.Gly253Ser (NM_001407130.1); c.652G>A, p.Gly218Ser (NM_001407132.1, NM_001407133.1, NM_001407134.1 and 2 more transcripts); c.472G>A, p.Gly158Ser (NM_001407137.1); and 1 more; short protein forms G278S, G253S, G289S, G314S, G133S, G218S, G158S, G254S.
Identifiers: ClinVar variation 624214 (VCV000624214.48), dbSNP rs1559466824, ClinGen allele CA351807803.